The following is an entry in ClinVar:

ClinVar aggregate classification (germline): Uncertain significance (1 of 4 stars; one submission).

Conditions:
LZTFL1-related disorder. Also called: LZTFL1-related condition.

Submission:

PreventionGenetics, part of Exact Sciences
Classification: Uncertain significance for LZTFL1-related condition. Last evaluated: 2024-10-16. Review status: criteria provided, single submitter. Criteria: ACMG Guidelines, 2015. Collection method: clinical testing. Allele origin: germline.
Comment: The LZTFL1 c.849C>A variant is predicted to result in the amino acid substitution p.Asp283Glu. To our knowledge, this variant has not been reported in the literature or in a large population database (gnomAD), indicating this variant is rare. At this time, the clinical significance of this variant is uncertain due to the absence of conclusive functional and genetic evidence.

NM_020347.4(LZTFL1):c.849C>A (p.Asp283Glu)

Gene: LZTFL1 (leucine zipper transcription factor like 1; minus strand). Cytogenetic location: 3p21.31.
Variant type: single nucleotide variant.
Coding change: c.849C>A on transcript NM_020347.4 (MANE Select); coding-DNA position 849, C replaced by A.
Protein change: p.Asp283Glu; replaces aspartic acid 283 with glutamic acid.
Molecular consequence: missense variant. On other transcripts: non-coding transcript variant (1), intron variant (6).
Genome position (GRCh38, 1-based): chr3:45,827,388, G>T on the plus strand (C>A on the coding strand, the complement: LZTFL1 is on the minus strand). VCF-style: chr3-45827388-G-T. GRCh37 (hg19) VCF-style: chr3-45868880-G-T.
Other names: c.798C>A, p.Asp266Glu (NM_001276378.2, NM_001386451.1, NM_001405922.1 and 1 more transcripts); c.873C>A, p.Asp291Glu (NM_001405920.1); c.837C>A, p.Asp279Glu (NM_001405921.1); c.783C>A, p.Asp261Glu (NM_001405924.1); c.801+1051C>A (NM_001405925.1); c.765+1051C>A (NM_001276379.2); c.726+1051C>A (NM_001405927.1, NM_001405926.1, NM_001405928.1); c.777+1051C>A (NM_001386452.1); short protein forms D291E, D283E, D261E, D266E, D279E.
Identifiers: ClinVar variation 4997820 (VCV004997820.1).